The following is an entry in ClinVar:

ClinVar aggregate classification (germline): Uncertain significance (1 of 4 stars; one submission).

Conditions:
Combined immunodeficiency due to STK4 deficiency (IMD110). Also called: T-cell immunodeficiency, recurrent infections, and autoimmunity with or without cardiac malformations; STK4 DEFICIENCY; MST1 DEFICIENCY. Identifiers: Orphanet 314689, MedGen C3553943, MONDO:0013934, OMIM 614868.

Submission:

Labcorp Genetics (formerly Invitae), Labcorp
Classification: Uncertain significance for Combined immunodeficiency due to STK4 deficiency. Last evaluated: 2023-12-18. Review status: criteria provided, single submitter. Criteria: Invitae Variant Classification Sherloc (09022015). Collection method: clinical testing. Allele origin: germline.
Comment: This sequence change replaces glycine, which is neutral and non-polar, with aspartic acid, which is acidic and polar, at codon 53 of the STK4 protein (p.Gly53Asp). This variant is not present in population databases (gnomAD no frequency). This variant has not been reported in the literature in individuals affected with STK4-related conditions. Advanced modeling of protein sequence and biophysical properties (such as structural, functional, and spatial information, amino acid conservation, physicochemical variation, residue mobility, and thermodynamic stability) performed at Invitae indicates that this missense variant is not expected to disrupt STK4 protein function with a negative predictive value of 95%. In summary, the available evidence is currently insufficient to determine the role of this variant in disease. Therefore, it has been classified as a Variant of Uncertain Significance.

NM_006282.5(STK4):c.158G>A (p.Gly53Asp)

Gene: STK4 (serine/threonine kinase 4; plus strand). Cytogenetic location: 20q13.12.
Variant type: single nucleotide variant.
Coding change: c.158G>A on transcript NM_006282.5 (MANE Select); coding-DNA position 158, G replaced by A.
Protein change: p.Gly53Asp; replaces glycine 53 with aspartic acid.
Molecular consequence: missense variant.
Genome position (GRCh38, 1-based): chr20:44,978,484, G>A. VCF-style: chr20-44978484-G-A. GRCh37 (hg19) VCF-style: chr20-43607125-G-A.
Other names: c.158G>A, p.Gly53Asp (NM_001352385.2); short protein forms G53D.
Identifiers: ClinVar variation 2764796 (VCV002764796.3), dbSNP rs2515599064, ClinGen allele CA409148458.
Genomic context (GRCh38, chr20:44,978,484, plus strand): 5'-TCTTCTCCCAAATGTATAGGTCCTATGGCAGCGTATACAAAGCTATTCATAAAGAGACCG[G>A]CCAGATTGTTGCTATTAAGCAAGTTCCTGTGGAATCAGACCTCCAGGAGATAATCAAAGA-3'
Protein context (NP_006273.1, residues 43-63): SVYKAIHKET[Gly53Asp]QIVAIKQVPV